The following is an entry in ClinVar:

NM_022828.5(YTHDC2):c.1297C>T (p.Leu433=)

Gene: YTHDC2 (YTH N6-methyladenosine RNA binding protein C2; plus strand). Cytogenetic location: 5q22.2.
Variant type: single nucleotide variant.
Coding change: c.1297C>T on transcript NM_022828.5 (MANE Select); coding-DNA position 1297, C replaced by T.
Protein change: p.Leu433=; no amino-acid change (leucine 433 retained).
Molecular consequence: synonymous variant.
Genome position (GRCh38, 1-based): chr5:113,541,054, C>T. VCF-style: chr5-113541054-C-T. GRCh37 (hg19) VCF-style: chr5-112876751-C-T.
Other names: c.811C>T, p.Leu271= (NM_001345975.2); c.397C>T, p.Leu133= (NM_001345976.2).
Identifiers: ClinVar variation 3041520 (VCV003041520.2), dbSNP rs139910362, ClinGen allele CA3371741.

ClinVar aggregate classification (germline): Likely benign (0 of 4 stars; one submission).

Conditions:
YTHDC2-related disorder. Also called: YTHDC2-related condition.

Allele frequency attached by ClinVar (database versions not stated): 1000 Genomes Project 30x 0.00016; gnomAD 0.00068; ESP Exome Variant Server 0.00108.

Submission:

PreventionGenetics, part of Exact Sciences
Classification: Likely benign for YTHDC2-related condition. Last evaluated: 2019-10-28. Review status: no assertion criteria provided. Collection method: clinical testing. Allele origin: germline.
Comment: This variant is classified as likely benign based on ACMG/AMP sequence variant interpretation guidelines (Richards et al. 2015 PMID: 25741868, with internal and published modifications).